The following is an entry in ClinVar:

NM_001267550.2(TTN):c.63329C>T (p.Ala21110Val)

Genes: TTN (titin; minus strand), TTN-AS1 (TTN antisense RNA 1; plus strand). Cytogenetic location: 2q31.2.
Variant type: single nucleotide variant.
Coding change: c.63329C>T on transcript NM_001267550.2 (MANE Select); coding-DNA position 63329, C replaced by T.
Protein change: p.Ala21110Val; replaces alanine 21110 with valine.
Molecular consequence: missense variant.
Genome position (GRCh38, 1-based): chr2:178,588,078, G>A on the plus strand (C>T on the coding strand, the complement: TTN is on the minus strand). VCF-style: chr2-178588078-G-A. GRCh37 (hg19) VCF-style: chr2-179452805-G-A.
Other names: p.Ala19469Val; c.36134C>T, p.Ala12045Val (NM_003319.4); c.36509C>T, p.Ala12170Val (NM_133432.3); c.36710C>T, p.Ala12237Val (NM_133437.4); c.63329C>T (NM_001267550.1); c.58406C>T, p.Ala19469Val (NM_001256850.1); c.55625C>T, p.Ala18542Val (NM_133378.4); short protein forms A18542V, A21110V, A19469V, A12170V, A12237V, A12045V.
Identifiers: ClinVar variation 228120 (VCV000228120.63), dbSNP rs370687831, ClinGen allele CA1992104.
Genomic context (GRCh38, chr2:178,588,078, plus strand): 5'-AATTCCTTGCGTACAAGCTGTGCTGCAGCATTACACCGTTTCCAGCCTTCATCAGGAGAC[G>A]CATCTGCTATTTTTGGTCTCATTTCCACAACATATCCAATGATCGGTGCACCACCATCAT-3'
Protein context (NP_001254479.2, residues 21100-21120): VVEMRPKIAD[Ala21110Val]SPDEGWKRCN

ClinVar aggregate classification (germline): Conflicting classifications of pathogenicity. Review status: criteria provided, conflicting classifications (1 of 4 stars). 19 submissions from 15 submitters: Uncertain significance (11); Benign (2); Likely benign (3). 3 of the submissions do not count toward it. Last evaluated 2026-06-25.

Conditions:
TTN-related disorder. Also called: TTN-related condition; TTN-related disease; TTN-related disorders.
Cardiovascular phenotype. Identifiers: MedGen CN230736.
Autosomal recessive limb-girdle muscular dystrophy type 2J (LGMDR10). Also called: Limb-girdle muscular dystrophy, type 2J; MUSCULAR DYSTROPHY, LIMB-GIRDLE, AUTOSOMAL RECESSIVE 10. Identifiers: Orphanet 140922, MedGen C1837342, MONDO:0012127, OMIM 608807.
Dilated cardiomyopathy 1G (CMD1G). Identifiers: Orphanet 154, MedGen C1858763, MONDO:0011400, OMIM 604145.
Cardiomyopathy (CMYO). Also called: Cardiomyopathies. Identifiers: Orphanet 167848, MedGen C0878544, MONDO:0004994, HP:0001638. Inheritance: Various modes of inheritance.
Early-onset myopathy with fatal cardiomyopathy (CMYO5). Also called: CONGENITAL MYOPATHY 5 WITH CARDIOMYOPATHY; Salih Myopathy. Identifiers: Orphanet 289377, MedGen C2673677, MONDO:0012714, OMIM 611705. Disease mechanism: loss of function.
Tibial muscular dystrophy (TMD). Also called: Tibial muscular dystrophy, tardive; UDD MYOPATHY; Udd Distal Myopathy – Tibial Muscular Dystrophy. Identifiers: Orphanet 609, MedGen C1838244, MONDO:0010870, OMIM 600334.
Myopathy, myofibrillar, 9, with early respiratory failure (MFM9). Also called: Hereditary myopathy with early respiratory failure; MYOPATHY, PROXIMAL, WITH EARLY RESPIRATORY MUSCLE INVOLVEMENT; Myopathy, distal, with early respiratory failure, autosomal dominant; EDSTROM MYOPATHY. Identifiers: Orphanet 178464, Orphanet 34521, MedGen C1863599, MONDO:0011362, OMIM 603689.

Allele frequency attached by ClinVar (database versions not stated): TOPMed 0.00011; 1000 Genomes Project 30x 0.00016; 1000 Genomes Project 0.00020; ESP Exome Variant Server 0.00041.
gnomAD v4.1: 197 of 1,612,854 alleles (0.012%); highest among the groups gnomAD compares: Non-Finnish European, 0.016%; no homozygotes.

Submissions (19):

PreventionGenetics, part of Exact Sciences
Classification: Uncertain significance for TTN-related condition. Last evaluated: 2026-06-25. Review status: criteria provided, single submitter. Criteria: ACMG Guidelines, 2015. Collection method: clinical testing. Allele origin: germline.
Comment: The TTN c.63329C>T variant is predicted to result in the amino acid substitution p.Ala21110Val. To our knowledge, this variant has not been reported in the literature. This variant is reported in 0.027% of alleles in individuals of European (Non-Finnish) descent in gnomAD. Although we suspect that this variant may be benign, at this time, the clinical significance of this variant is uncertain due to the absence of conclusive functional and genetic evidence.

CeGaT Center for Human Genetics Tuebingen
Classification: Uncertain significance. Last evaluated: 2024-07-01. Review status: criteria provided, single submitter. Criteria: CeGaT Center For Human Genetics Tuebingen Variant Classification Criteria Version 2. Collection method: clinical testing. Allele origin: germline. Affected: yes. Observed: 5 variant alleles.
Comment: TTN: PM2, BP4

Blueprint Genetics
Classification: Likely benign. Last evaluated: 2024-05-16. Review status: criteria provided, single submitter. Criteria: ACMG Guidelines, 2015. Collection method: clinical testing. Allele origin: germline.

ARUP Laboratories, Molecular Genetics and Genomics, ARUP Laboratories
Classification: Uncertain significance. Last evaluated: 2023-12-29. Review status: criteria provided, single submitter. Criteria: ARUP Molecular Germline Variant Investigation Process 2024. Collection method: clinical testing. Allele origin: germline.
Comment: The TTN c.63329C>T; p.Ala21110Val variant (rs370687831; ClinVar Variation ID: 228120) is rare in the general population (<0.2% allele frequency in the Genome Aggregation Database) and has not been reported in the medical literature in association with dilated cardiomyopathy (DCM) or other TTN-related disease. The clinical relevance of rare missense variants in this gene, which are identified on average once per individual sequenced in affected populations (Herman 2012), is not well understood. Yet, evidence suggests that the vast majority of such missense variants do not contribute to the clinical outcome of DCM (Begay 2015). Thus, the clinical significance of the p.Ala21110Val variant cannot be determined with certainty.

Athena Diagnostics
Classification: Uncertain significance. Last evaluated: 2023-10-25. Review status: criteria provided, single submitter. Criteria: Athena Diagnostics Criteria. Collection method: clinical testing. Allele origin: unknown.
Comment: Available data are insufficient to determine the clinical significance of the variant at this time. The frequency of this variant in the general population is higher than would generally be expected for pathogenic variants in this gene. Computational tools disagree on the variant's effect on normal protein function.

Mayo Clinic Laboratories, Mayo Clinic
Classification: Uncertain significance. Last evaluated: 2022-08-17. Review status: criteria provided, single submitter. Criteria: ACMG Guidelines, 2015. Collection method: clinical testing. Allele origin: germline. Observed: 1 variant allele.
Comment: BP4

CHEO Genetics Diagnostic Laboratory, Children's Hospital of Eastern Ontario
Classification: Uncertain significance for Cardiomyopathy. Last evaluated: 2019-03-11. Review status: criteria provided, single submitter. Criteria: ACMG Guidelines, 2015. Collection method: clinical testing. Allele origin: germline.

Ambry Genetics
Classification: Uncertain significance for Cardiovascular phenotype. Last evaluated: 2018-11-10. Review status: criteria provided, single submitter. Criteria: Ambry Variant Classification Scheme 2023. Collection method: clinical testing. Allele origin: germline.
Comment: The p.A12045V variant (also known as c.36134C>T), located in coding exon 132 of the TTN gene, results from a C to T substitution at nucleotide position 36134. The alanine at codon 12045 is replaced by valine, an amino acid with similar properties. This amino acid position is not well conserved in available vertebrate species. In addition, this alteration is predicted to be tolerated by in silico analysis. Since supporting evidence is limited at this time, the clinical significance of this alteration remains unclear.

GeneDx
Classification: Likely benign. Last evaluated: 2018-09-04. Review status: criteria provided, single submitter. Criteria: GeneDx Variant Classification Process June 2021. Collection method: clinical testing. Allele origin: germline. Affected: yes.

Illumina Laboratory Services, Illumina
Classification: Benign for Tibial muscular dystrophy. Last evaluated: 2018-01-13. Review status: criteria provided, single submitter. Criteria: ICSL Variant Classification Criteria 13 December 2019. Collection method: clinical testing. Allele origin: germline.
Comment: This variant was observed in the ICSL laboratory as part of a predisposition screen in an ostensibly healthy population. It had not been previously curated by ICSL or reported in the Human Gene Mutation Database (HGMD: prior to June 1st, 2018), and was therefore a candidate for classification through an automated scoring system. Utilizing variant allele frequency, disease prevalence and penetrance estimates, and inheritance mode, an automated score was calculated to assess if this variant is too frequent to cause the disease. Based on the score and internal cut-off values, a variant classified as benign is not then subjected to further curation. The score for this variant resulted in a classification of benign for this disease.

Illumina Laboratory Services, Illumina
Classification: Uncertain significance for Autosomal recessive limb-girdle muscular dystrophy type 2J. Last evaluated: 2018-01-13. Review status: criteria provided, single submitter. Criteria: ICSL Variant Classification Criteria 13 December 2019. Collection method: clinical testing. Allele origin: germline.

Illumina Laboratory Services, Illumina
Classification: Uncertain significance for Dilated cardiomyopathy 1G. Last evaluated: 2018-01-13. Review status: criteria provided, single submitter. Criteria: ICSL Variant Classification Criteria 13 December 2019. Collection method: clinical testing. Allele origin: germline.

Illumina Laboratory Services, Illumina
Classification: Benign for Myopathy, myofibrillar, 9, with early respiratory failure. Last evaluated: 2018-01-13. Review status: criteria provided, single submitter. Criteria: ICSL Variant Classification Criteria 13 December 2019. Collection method: clinical testing. Allele origin: germline.
Comment: the same text as in the submission from Illumina Laboratory Services, Illumina above.

Illumina Laboratory Services, Illumina
Classification: Uncertain significance for Early-onset myopathy with fatal cardiomyopathy. Last evaluated: 2018-01-13. Review status: criteria provided, single submitter. Criteria: ICSL Variant Classification Criteria 13 December 2019. Collection method: clinical testing. Allele origin: germline.

Labcorp Genetics (formerly Invitae), Labcorp
Classification: Uncertain significance for Dilated cardiomyopathy 1G; Autosomal recessive limb-girdle muscular dystrophy type 2J. Last evaluated: 2017-12-29. Review status: criteria provided, single submitter. Criteria: Invitae Variant Classification Sherloc (09022015). Collection method: clinical testing. Allele origin: germline.

Laboratory for Molecular Medicine, Mass General Brigham Personalized Medicine
Classification: Likely benign. Last evaluated: 2015-03-30. Review status: criteria provided, single submitter. Criteria: LMM Criteria. Collection method: clinical testing. Allele origin: germline. Observed: 1 variant allele.
Comment: p.Ala18542Ala in exon 254 of TTN: This variant is not expected to have clinical significance because it does not alter an amino acid residue and is not located within the splice consensus sequence. It has also been identified in 12/66476 E uropean chromosomes by the Exome Aggregation Consortium (ExAC; dbSNP rs370687831).

Clinical Genetics DNA and cytogenetics Diagnostics Lab, Erasmus MC, Erasmus Medical Center
Classification: Likely benign. Review status: no assertion criteria provided. Collection method: clinical testing. Allele origin: germline. Affected: yes. Study: VKGL Data-share Consensus. Not counted in ClinVar's aggregate classification.

Clinical Genetics, Academic Medical Center
Classification: Likely benign. Review status: no assertion criteria provided. Collection method: clinical testing. Allele origin: germline. Affected: yes. Study: VKGL Data-share Consensus. Not counted in ClinVar's aggregate classification.

Joint Genome Diagnostic Labs from Nijmegen and Maastricht, Radboudumc and MUMC+
Classification: Likely benign. Review status: no assertion criteria provided. Collection method: clinical testing. Allele origin: germline. Affected: yes. Study: VKGL Data-share Consensus. Not counted in ClinVar's aggregate classification.

Literature cited by the submitters: PubMed 27149842 (cited by Athena Diagnostics).